The following is an entry in ClinVar:

NM_001199107.2(TBC1D24):c.1472C>T (p.Pro491Leu)

Gene: TBC1D24 (TBC1 domain family member 24; plus strand). Cytogenetic location: 16p13.3.
Variant type: single nucleotide variant.
Coding change: c.1472C>T on transcript NM_001199107.2 (MANE Select); coding-DNA position 1472, C replaced by T.
Protein change: p.Pro491Leu; replaces proline 491 with leucine.
Molecular consequence: missense variant.
Genome position (GRCh38, 1-based): chr16:2,500,437, C>T. VCF-style: chr16-2500437-C-T. GRCh37 (hg19) VCF-style: chr16-2550438-C-T.
Other names: c.1454C>T, p.Pro485Leu (NM_020705.3); c.1472C>T (NM_001199107.1); short protein forms P485L, P491L.
Identifiers: ClinVar variation 3753513 (VCV003753513.3).
Genomic context (GRCh38, chr16:2,500,437, plus strand): 5'-CCTCCTCAGACCCCGCTGACCGCCTCTCGCCCTTCCTGGCCGCTCGCCACTTCAACCTGC[C>T]CTCCAAGACCGAGTCCATGTTCATGGCGGGGGGCAGCGACTGCCTCATCGTCGGTGAGCG-3'
Protein context (NP_001186036.1, residues 481-501): PFLAARHFNL[Pro491Leu]SKTESMFMAG

ClinVar aggregate classification (germline): Uncertain significance. Review status: criteria provided, multiple submitters, no conflicts (2 of 4 stars). 2 submissions from 2 submitters: Uncertain significance (2). Last evaluated 2026-05-06.

Conditions:
Inborn genetic diseases. Identifiers: MedGen C0950123, MeSH D030342.
Autosomal dominant nonsyndromic hearing loss 65. Also called: Deafness, autosomal dominant 65; TBC1D24-Related Autosomal Dominant Nonsyndromic Hearing Loss (DFNA). Identifiers: Orphanet 90635, MedGen C3892048, MONDO:0014470, OMIM 616044.
Developmental and epileptic encephalopathy, 1 (DEE1). Also called: INFANTILE SPASM SYNDROME, X-LINKED 1; X-linked infantile spasms; West's syndrome; Tonic spasms with clustering, arrest of psychomotor development and hypsarrhythmia on EEG; X-Linked Infantile Spasm Syndrome; OHTAHARA SYNDROME, X-LINKED. Identifiers: MedGen C3463992, MONDO:0010632, OMIM 308350. Disease mechanism: loss of function.

gnomAD v4.1: 2 of 1,601,456 alleles (0.00012%); highest among the groups gnomAD compares: African/African-American, 0.0013%; no homozygotes.

Submissions (2):

Ambry Genetics
Classification: Uncertain significance for Inborn genetic diseases. Last evaluated: 2026-05-06. Review status: criteria provided, single submitter. Criteria: Ambry Variant Classification Scheme 2023. Collection method: clinical testing. Allele origin: germline.

Labcorp Genetics (formerly Invitae), Labcorp
Classification: Uncertain significance for Developmental and epileptic encephalopathy, 1; Autosomal dominant nonsyndromic hearing loss 65. Last evaluated: 2024-05-06. Review status: criteria provided, single submitter. Criteria: Invitae Variant Classification Sherloc (09022015). Collection method: clinical testing. Allele origin: germline.
Comment: This sequence change replaces proline, which is neutral and non-polar, with leucine, which is neutral and non-polar, at codon 491 of the TBC1D24 protein (p.Pro491Leu). This variant is not present in population databases (gnomAD no frequency). This variant has not been reported in the literature in individuals affected with TBC1D24-related conditions. Advanced modeling of protein sequence and biophysical properties (such as structural, functional, and spatial information, amino acid conservation, physicochemical variation, residue mobility, and thermodynamic stability) performed at Invitae indicates that this missense variant is not expected to disrupt TBC1D24 protein function with a negative predictive value of 80%. In summary, the available evidence is currently insufficient to determine the role of this variant in disease. Therefore, it has been classified as a Variant of Uncertain Significance.